The following is an entry in ClinVar:

NM_000037.4(ANK1):c.2097+7C>T

Gene: ANK1 (ankyrin 1; minus strand). Cytogenetic location: 8p11.21.
Variant type: single nucleotide variant.
Coding change: c.2097+7C>T on transcript NM_000037.4 (MANE Select); 7 bases into the intron after coding-DNA position 2097, C replaced by T.
Molecular consequence: intron variant.
Genome position (GRCh38, 1-based): chr8:41,706,136, G>A on the plus strand (C>T on the coding strand, the complement: ANK1 is on the minus strand). VCF-style: chr8-41706136-G-A. GRCh37 (hg19) VCF-style: chr8-41563654-G-A.
Other names: c.2196+7C>T (NM_001142446.2); c.2097+7C>T (NM_020477.3, NM_020475.3, NM_020476.3).
Identifiers: ClinVar variation 4773169 (VCV004773169.1).

ClinVar aggregate classification (germline): Uncertain significance (1 of 4 stars; one submission).

Submission:

Labcorp Genetics (formerly Invitae), Labcorp
Classification: Uncertain significance. Last evaluated: 2025-09-17. Review status: criteria provided, single submitter. Criteria: Invitae Variant Classification Sherloc (09022015). Collection method: clinical testing. Allele origin: germline.
Comment: This sequence change falls in intron 18 of the ANK1 gene. It does not directly change the encoded amino acid sequence of the ANK1 protein. This variant is not present in population databases (gnomAD no frequency). This variant has not been reported in the literature in individuals affected with ANK1-related conditions. Algorithms developed to predict the effect of sequence changes on RNA splicing suggest that this variant may disrupt the consensus splice site. In summary, the available evidence is currently insufficient to determine the role of this variant in disease. Therefore, it has been classified as a Variant of Uncertain Significance.